The following is an entry in ClinVar:

NM_004336.5(BUB1):c.1975G>A (p.Glu659Lys)

Gene: BUB1 (BUB1 mitotic checkpoint serine/threonine kinase; minus strand). Cytogenetic location: 2q13.
Variant type: single nucleotide variant.
Coding change: c.1975G>A on transcript NM_004336.5 (MANE Select); coding-DNA position 1975, G replaced by A.
Protein change: p.Glu659Lys; replaces glutamic acid 659 with lysine.
Molecular consequence: missense variant.
Genome position (GRCh38, 1-based): chr2:110,650,774, C>T on the plus strand (G>A on the coding strand, the complement: BUB1 is on the minus strand). VCF-style: chr2-110650774-C-T. GRCh37 (hg19) VCF-style: chr2-111408351-C-T.
Other names: c.1915G>A, p.Glu639Lys (NM_001278616.2); c.1975G>A, p.Glu659Lys (NM_001278617.2); short protein forms E639K, E659K.
Identifiers: ClinVar variation 1783701 (VCV001783701.2), dbSNP rs2467991289, ClinGen allele CA348210169.

ClinVar aggregate classification (germline): Uncertain significance (1 of 4 stars; one submission).

Submission:

Ambry Genetics
Classification: Uncertain significance. Last evaluated: 2021-09-21. Review status: criteria provided, single submitter. Criteria: Ambry Variant Classification Scheme 2023. Collection method: clinical testing. Allele origin: germline.
Comment: The p.E659K variant (also known as c.1975G>A), located in coding exon 18 of the BUB1 gene, results from a G to A substitution at nucleotide position 1975. The glutamic acid at codon 659 is replaced by lysine, an amino acid with similar properties. This amino acid position is conserved. In addition, the in silico prediction for this alteration is inconclusive. Since supporting evidence is limited at this time, the clinical significance of this alteration remains unclear.